The following is an entry in ClinVar:

NM_152564.5(VPS13B):c.2743A>T (p.Lys915Ter)

Gene: VPS13B (vacuolar protein sorting 13 homolog B; plus strand). Cytogenetic location: 8q22.2.
Variant type: single nucleotide variant.
Coding change: c.2743A>T on transcript NM_152564.5 (MANE Select); coding-DNA position 2743, A replaced by T.
Protein change: p.Lys915Ter; replaces lysine 915 with a stop codon.
Molecular consequence: nonsense.
Genome position (GRCh38, 1-based): chr8:99,275,173, A>T. VCF-style: chr8-99275173-A-T. GRCh37 (hg19) VCF-style: chr8-100287401-A-T.
Other names: c.2743A>T, p.Lys915Ter (NM_017890.5); short protein forms K915*.
Identifiers: ClinVar variation 3663057 (VCV003663057.2).
Genomic context (GRCh38, chr8:99,275,173, plus strand): 5'-CTTCAGGGTCCTTCTGACACTAAAGACCTTCATAGCACCAAGTGGCTCAATGAGAGTAGA[A>T]AGCCAGAGTCTCTCTTAGCTCCAGATTTGATGGCCTTCACAATCCAAGTTCCACAATATA-3'

ClinVar aggregate classification (germline): Pathogenic (1 of 4 stars; one submission).

Conditions:
Cohen syndrome (COH1). Also called: PEPPER SYNDROME; Cutis verticis gyrata, retinitis pigmentosa, and sensorineural deafness. Identifiers: Orphanet 193, MedGen C0265223, MONDO:0008999, OMIM 216550.

Submission:

Labcorp Genetics (formerly Invitae), Labcorp
Classification: Pathogenic for Cohen syndrome. Last evaluated: 2024-08-20. Review status: criteria provided, single submitter. Criteria: Invitae Variant Classification Sherloc (09022015). Collection method: clinical testing. Allele origin: germline.
Comment: This sequence change creates a premature translational stop signal (p.Lys915*) in the VPS13B gene. It is expected to result in an absent or disrupted protein product. Loss-of-function variants in VPS13B are known to be pathogenic (PMID: 15141358, 16648375, 20461111). This variant is not present in population databases (gnomAD no frequency). This variant has not been reported in the literature in individuals affected with VPS13B-related conditions. For these reasons, this variant has been classified as Pathogenic.

Literature cited by the submitters: PubMed 15141358; PubMed 16648375; PubMed 20461111.